The following is an entry in ClinVar:

NM_005085.4(NUP214):c.4376C>T (p.Thr1459Ile)

Gene: NUP214 (nucleoporin 214; plus strand). Cytogenetic location: 9q34.13.
Variant type: single nucleotide variant.
Coding change: c.4376C>T on transcript NM_005085.4 (MANE Select); coding-DNA position 4376, C replaced by T.
Protein change: p.Thr1459Ile; replaces threonine 1459 with isoleucine.
Molecular consequence: missense variant.
Genome position (GRCh38, 1-based): chr9:131,197,870, C>T. VCF-style: chr9-131197870-C-T. GRCh37 (hg19) VCF-style: chr9-134073257-C-T.
Other names: c.4346C>T, p.Thr1449Ile (NM_001318324.2); c.854C>T, p.Thr285Ile (NM_001318325.2); short protein forms T1449I, T1459I, T285I.
Identifiers: ClinVar variation 2663458 (VCV002663458.1), dbSNP rs148107518, ClinGen allele CA5289934.
Genomic context (GRCh38, chr9:131,197,870, plus strand): 5'-TTTCATTTGGAAGCCAACAGACCAATAGCACAGTGCCCCCATCTGCCCCACCACCAACTA[C>T]AGCTGCCACTCCCCTTCCAACATCATTCCCCACATTGTCATTTGGTAGCCTCCTGAGTTC-3'
Protein context (NP_005076.3, residues 1449-1469): TVPPSAPPPT[Thr1459Ile]AATPLPTSFP

ClinVar aggregate classification (germline): Uncertain significance (1 of 4 stars; one submission).

Allele frequency attached by ClinVar (database versions not stated): gnomAD exomes 0.00001; ExAC 0.00002; ESP Exome Variant Server 0.00008.
gnomAD v4.1: 9 of 1,613,534 alleles (0.00056%); highest among the groups gnomAD compares: Admixed American, 0.005%; no homozygotes.

Submission:

GeneDx
Classification: Uncertain significance. Last evaluated: 2023-04-02. Review status: criteria provided, single submitter. Criteria: GeneDx Variant Classification Process June 2021. Collection method: clinical testing. Allele origin: germline. Affected: yes.
Comment: In silico analysis supports that this missense variant has a deleterious effect on protein structure/function; Has not been previously published as pathogenic or benign to our knowledge